The following is an entry in ClinVar:

ClinVar aggregate classification (germline): Uncertain significance (1 of 4 stars; one submission).

Allele frequency attached by ClinVar (database versions not stated): gnomAD exomes below 0.00001; TOPMed 0.00001.
gnomAD v4.1: 3 of 1,613,888 alleles (0.00019%); highest among the groups gnomAD compares: Non-Finnish European, 0.00025%; no homozygotes.

Submission:

GeneDx
Classification: Uncertain significance. Last evaluated: 2024-04-08. Review status: criteria provided, single submitter. Criteria: GeneDx Variant Classification Process June 2021. Collection method: clinical testing. Allele origin: germline. Affected: yes.
Comment: Not observed in large population cohorts (gnomAD); Has not been previously published as pathogenic or benign to our knowledge; In-silico analysis is inconclusive as to whether the variant alters gene splicing. In the absence of RNA/functional studies, the actual effect of this sequence change is unknown.

NM_032856.5(WDR73):c.41+3A>G

Gene: WDR73 (WD repeat domain 73; minus strand). Cytogenetic location: 15q25.2.
Variant type: single nucleotide variant.
Coding change: c.41+3A>G on transcript NM_032856.5 (MANE Select); 3 bases into the intron after coding-DNA position 41, A replaced by G.
Molecular consequence: intron variant. On other transcripts: non-coding transcript variant (2).
Genome position (GRCh38, 1-based): chr15:84,654,231, T>C on the plus strand (A>G on the coding strand, the complement: WDR73 is on the minus strand). VCF-style: chr15-84654231-T-C. GRCh37 (hg19) VCF-style: chr15-85197462-T-C.
Identifiers: ClinVar variation 449869 (VCV000449869.6), dbSNP rs1035593132, ClinGen allele CA273582564.
Genomic context (GRCh38, chr15:84,654,231, plus strand): 5'-ACCCATCCGCCCGCCAGGCAAGCTCCAGGCCCAGCTCCCATGTCCCAGCCCCGTACGATT[T>C]ACAAGCGCAAGGATTCCACCAGCCAGTCGTCCCCAGGATCCATGGCAACGACCGCTTCCG-3'